The following is an entry in ClinVar:

NM_004369.4(COL6A3):c.8479T>A (p.Tyr2827Asn)

Gene: COL6A3 (collagen type VI alpha 3 chain; minus strand). Cytogenetic location: 2q37.3.
Variant type: single nucleotide variant.
Coding change: c.8479T>A on transcript NM_004369.4 (MANE Select); coding-DNA position 8479, T replaced by A.
Protein change: p.Tyr2827Asn; replaces tyrosine 2827 with asparagine.
Molecular consequence: missense variant.
Genome position (GRCh38, 1-based): chr2:237,339,103, A>T on the plus strand (T>A on the coding strand, the complement: COL6A3 is on the minus strand). VCF-style: chr2-237339103-A-T. GRCh37 (hg19) VCF-style: chr2-238247746-A-T.
Other names: c.6658T>A, p.Tyr2220Asn (NM_057166.5); c.7861T>A, p.Tyr2621Asn (NM_057167.4); short protein forms Y2220N, Y2827N, Y2621N.
Identifiers: ClinVar variation 2838002 (VCV002838002.3), dbSNP rs2469800182, ClinGen allele CA351193054.

ClinVar aggregate classification (germline): Uncertain significance (1 of 4 stars; one submission).

Conditions:
Bethlem myopathy 1A. Also called: Bethlem myopathy 1; MYOPATHY, BENIGN CONGENITAL, WITH CONTRACTURES; Bethlem Muscular Dystrophy. Identifiers: Orphanet 610, MedGen CN029274, MONDO:0024530, OMIM 158810.

Submission:

Labcorp Genetics (formerly Invitae), Labcorp
Classification: Uncertain significance for Bethlem myopathy 1A. Last evaluated: 2023-04-28. Review status: criteria provided, single submitter. Criteria: Invitae Variant Classification Sherloc (09022015). Collection method: clinical testing. Allele origin: germline.
Comment: This sequence change replaces tyrosine, which is neutral and polar, with asparagine, which is neutral and polar, at codon 2827 of the COL6A3 protein (p.Tyr2827Asn). In summary, the available evidence is currently insufficient to determine the role of this variant in disease. Therefore, it has been classified as a Variant of Uncertain Significance. Advanced modeling of protein sequence and biophysical properties (such as structural, functional, and spatial information, amino acid conservation, physicochemical variation, residue mobility, and thermodynamic stability) performed at Invitae indicates that this missense variant is expected to disrupt COL6A3 protein function. This variant has not been reported in the literature in individuals affected with COL6A3-related conditions. This variant is not present in population databases (gnomAD no frequency).